The following is an entry in ClinVar:

ClinVar aggregate classification (germline): Uncertain significance (1 of 4 stars; one submission).

Submission:

Labcorp Genetics (formerly Invitae), Labcorp
Classification: Uncertain significance. Last evaluated: 2024-04-16. Review status: criteria provided, single submitter. Criteria: Invitae Variant Classification Sherloc (09022015). Collection method: clinical testing. Allele origin: germline.
Comment: This sequence change replaces glutamine, which is neutral and polar, with leucine, which is neutral and non-polar, at codon 254 of the TRAIP protein (p.Gln254Leu). This variant is not present in population databases (gnomAD no frequency). This variant has not been reported in the literature in individuals affected with TRAIP-related conditions. ClinVar contains an entry for this variant (Variation ID: 2087613). An algorithm developed to predict the effect of missense changes on protein structure and function (PolyPhen-2) suggests that this variant is likely to be disruptive. In summary, the available evidence is currently insufficient to determine the role of this variant in disease. Therefore, it has been classified as a Variant of Uncertain Significance.

NM_005879.3(TRAIP):c.761A>T (p.Gln254Leu)

Gene: TRAIP (TRAF interacting protein; minus strand). Cytogenetic location: 3p21.31.
Variant type: single nucleotide variant.
Coding change: c.761A>T on transcript NM_005879.3 (MANE Select); coding-DNA position 761, A replaced by T.
Protein change: p.Gln254Leu; replaces glutamine 254 with leucine.
Molecular consequence: missense variant.
Genome position (GRCh38, 1-based): chr3:49,840,318, T>A on the plus strand (A>T on the coding strand, the complement: TRAIP is on the minus strand). VCF-style: chr3-49840318-T-A. GRCh37 (hg19) VCF-style: chr3-49877751-T-A.
Other names: short protein forms Q254L.
Identifiers: ClinVar variation 2087613 (VCV002087613.4), dbSNP rs2544966060, ClinGen allele CA352863531.